The following is an entry in ClinVar:

NM_016955.4(SEPSECS):c.804+1G>A

Gene: SEPSECS (Sep (O-phosphoserine) tRNA:Sec (selenocysteine) tRNA synthase; minus strand). Cytogenetic location: 4p15.2.
Variant type: single nucleotide variant.
Coding change: c.804+1G>A on transcript NM_016955.4 (MANE Select); the canonical splice donor site of the intron after coding-DNA position 804, G replaced by A.
Molecular consequence: splice donor variant.
Genome position (GRCh38, 1-based): chr4:25,151,959, C>T on the plus strand (G>A on the coding strand, the complement: SEPSECS is on the minus strand). VCF-style: chr4-25151959-C-T. GRCh37 (hg19) VCF-style: chr4-25153581-C-T.
Other names: c.1059+1G>A (NM_001410714.1).
Identifiers: ClinVar variation 5003417 (VCV005003417.1).

ClinVar aggregate classification (germline): Likely pathogenic (1 of 4 stars; one submission).

Conditions:
Pontocerebellar hypoplasia type 2D (PCH2D). Also called: Progressive cerebello-cerebral atrophy. Identifiers: Orphanet 247198, Orphanet 2524, MedGen C3151140, MONDO:0013438, OMIM 613811.

Submission:

Myriad Genetics, Inc.
Classification: Likely pathogenic for Pontocerebellar hypoplasia type 2D. Last evaluated: 2026-06-26. Review status: criteria provided, single submitter. Criteria: Myriad Autosomal Dominant, Autosomal Recessive and X-Linked Classification Criteria (2023). Collection method: clinical testing. Allele origin: unknown.
Comment: NM_016955.3(SEPSECS):c.804+1G>A is a variant in a canonical splice site classified as likely pathogenic in the context of pontocerebellar hypoplasia, SEPSECS-related. c.804+1G>A has not been observed in cases with relevant disease. Relevant functional assessments of this variant are not available in the literature. c.804+1G>A has not been observed in referenced population frequency databases. In summary, NM_016955.3(SEPSECS):c.804+1G>A is a variant in a canonical splice site in a gene where loss of function is a known mechanism of disease and is predicted to disrupt protein function. Please note: this variant was assessed in the context of healthy population screening.